The following is an entry in ClinVar:

ClinVar aggregate classification (germline): Likely benign. Review status: criteria provided, multiple submitters, no conflicts (2 of 4 stars). 3 submissions from 3 submitters: Likely benign (2). 1 of the submissions does not count toward it. Last evaluated 2024-01-26.

Conditions:
Inborn genetic diseases. Identifiers: MedGen C0950123, MeSH D030342.
CC2D1A-related disorder. Also called: CC2D1A-related condition.

Allele frequency attached by ClinVar (database versions not stated): ExAC 0.00001; gnomAD exomes 0.00001; gnomAD 0.00002; TOPMed 0.00004.
gnomAD v4.1: 25 of 1,606,928 alleles (0.0016%); highest among the groups gnomAD compares: African/African-American, 0.004%; no homozygotes.

Submissions (3):

Labcorp Genetics (formerly Invitae), Labcorp
Classification: Likely benign. Last evaluated: 2024-01-26. Review status: criteria provided, single submitter. Criteria: Invitae Variant Classification Sherloc (09022015). Collection method: clinical testing. Allele origin: germline.

Ambry Genetics
Classification: Likely benign for Inborn genetic diseases. Last evaluated: 2017-12-15. Review status: criteria provided, single submitter. Criteria: Ambry Variant Classification Scheme 2023. Collection method: clinical testing. Allele origin: germline.

PreventionGenetics, part of Exact Sciences
Classification: Likely benign for CC2D1A-related condition. Last evaluated: 2022-05-16. Review status: no assertion criteria provided. Collection method: clinical testing. Allele origin: germline. Not counted in ClinVar's aggregate classification.
Comment: This variant is classified as likely benign based on ACMG/AMP sequence variant interpretation guidelines (Richards et al. 2015 PMID: 25741868, with internal and published modifications).

NM_017721.5(CC2D1A):c.381G>A (p.Pro127=)

Gene: CC2D1A (coiled-coil and C2 domain containing 1A; plus strand). Cytogenetic location: 19p13.12.
Variant type: single nucleotide variant.
Coding change: c.381G>A on transcript NM_017721.5 (MANE Select); coding-DNA position 381, G replaced by A.
Protein change: p.Pro127=; no amino-acid change (proline 127 retained).
Molecular consequence: synonymous variant.
Genome position (GRCh38, 1-based): chr19:13,913,170, G>A. VCF-style: chr19-13913170-G-A. GRCh37 (hg19) VCF-style: chr19-14023983-G-A.
Other names: c.381G>A, p.Pro127= (NM_001411138.1).
Identifiers: ClinVar variation 1735248 (VCV001735248.7), dbSNP rs760486441, ClinGen allele CA9244271.
Genomic context (GRCh38, chr19:13,913,170, plus strand): 5'-CTAACAGGGGCATCCCAAGTGGGGTCACCACCCACACTGTGCCCCTGCCCTCCCACAGCC[G>A]AAGCCTGAGGCCCCTCATCCGGGGCTGGAGACCACCTTGCAGGAGAGGCTGGCGCTCTAT-3'
Protein context (NP_060191.3, residues 117-137): ASETPPPVAQ[Pro127=]KPEAPHPGLE